The following is an entry in ClinVar:

NM_000384.3(APOB):c.4371A>T (p.Ala1457=)

Gene: APOB (apolipoprotein B; minus strand). Cytogenetic location: 2p24.1.
Variant type: single nucleotide variant.
Coding change: c.4371A>T on transcript NM_000384.3 (MANE Select); coding-DNA position 4371, A replaced by T.
Protein change: p.Ala1457=; no amino-acid change (alanine 1457 retained).
Molecular consequence: synonymous variant.
Genome position (GRCh38, 1-based): chr2:21,012,497, T>A on the plus strand (A>T on the coding strand, the complement: APOB is on the minus strand). VCF-style: chr2-21012497-T-A. GRCh37 (hg19) VCF-style: chr2-21235369-T-A.
Identifiers: ClinVar variation 3393016 (VCV003393016.1).

ClinVar aggregate classification (germline): Likely benign (1 of 4 stars; one submission).

Conditions:
Familial hypercholesterolemia. Also called: Familial hypercholesterolaemia. Identifiers: MedGen C0020445, MONDO:0005439.

gnomAD v4.1: 24 of 1,614,128 alleles (0.0015%); highest among the groups gnomAD compares: Admixed American, 0.033%; no homozygotes.

Submission:

GENinCode PLC
Classification: Likely benign for Familial hypercholesterolemia. Last evaluated: 2024-04-17. Review status: criteria provided, single submitter. Criteria: ACMG Guidelines, 2015. Collection method: clinical testing. Allele origin: germline.
Comment: This is a synonymous (silent) variant that is not predicted by SpliceAI to impact splicing. In addition, it occurs at a nucleotide that is not conserved. Therefore this variant has been classified as Likely Benign (BP4, BP7).